The following is an entry in ClinVar:

NM_004006.3(DMD):c.5188A>C (p.Lys1730Gln)

Gene: DMD (dystrophin; minus strand). Cytogenetic location: Xp21.1.
Variant type: single nucleotide variant.
Coding change: c.5188A>C on transcript NM_004006.3 (MANE Select); coding-DNA position 5188, A replaced by C.
Protein change: p.Lys1730Gln; replaces lysine 1730 with glutamine.
Molecular consequence: missense variant.
Genome position (GRCh38, 1-based): chrX:32,362,925, T>G on the plus strand (A>C on the coding strand, the complement: DMD is on the minus strand). VCF-style: chrX-32362925-T-G. GRCh37 (hg19) VCF-style: chrX-32381042-T-G.
Other names: c.5164A>C, p.Lys1722Gln (NM_000109.4); c.5176A>C, p.Lys1726Gln (NM_004009.3); c.4819A>C, p.Lys1607Gln (NM_004010.3); c.1165A>C, p.Lys389Gln (NM_004011.4); c.1156A>C, p.Lys386Gln (NM_004012.4); short protein forms K1607Q, K1726Q, K386Q, K389Q, K1730Q, K1722Q.
Identifiers: ClinVar variation 836908 (VCV000836908.10), dbSNP rs1473732566, ClinGen allele CA412671326.

ClinVar aggregate classification (germline): Uncertain significance (1 of 4 stars; one submission).

Conditions:
Duchenne muscular dystrophy (DMD). Also called: Duchenne Muscular Dystrophy (DMD); MUSCULAR DYSTROPHY, PSEUDOHYPERTROPHIC PROGRESSIVE, DUCHENNE TYPE. Identifiers: Orphanet 98896, MedGen C0013264, MONDO:0010679, OMIM 310200.

Submission:

Labcorp Genetics (formerly Invitae), Labcorp
Classification: Uncertain significance for Duchenne muscular dystrophy. Last evaluated: 2019-12-03. Review status: criteria provided, single submitter. Criteria: Invitae Variant Classification Sherloc (09022015). Collection method: clinical testing. Allele origin: germline.
Comment: In summary, the available evidence is currently insufficient to determine the role of this variant in disease. Therefore, it has been classified as a Variant of Uncertain Significance. Algorithms developed to predict the effect of sequence changes on RNA splicing suggest that this variant may create or strengthen a splice site, but this prediction has not been confirmed by published transcriptional studies. Algorithms developed to predict the effect of missense changes on protein structure and function are either unavailable or do not agree on the potential impact of this missense change (SIFT: "Tolerated"; PolyPhen-2: "Possibly Damaging"; Align-GVGD: "Class C0"). This variant has not been reported in the literature in individuals with DMD-related conditions. This variant is not present in population databases (ExAC no frequency). This sequence change replaces lysine with glutamine at codon 1730 of the DMD protein (p.Lys1730Gln). The lysine residue is highly conserved and there is a small physicochemical difference between lysine and glutamine.